The following is an entry in ClinVar:

ClinVar aggregate classification (germline): Benign/Likely benign. Review status: criteria provided, multiple submitters, no conflicts (2 of 4 stars). 3 submissions from 3 submitters: Benign (1); Likely benign (2). Last evaluated 2025-06-27.

Conditions:
Hereditary cancer-predisposing syndrome. Also called: Hereditary Cancer Syndrome; Neoplastic Syndromes, Hereditary; Hereditary neoplastic syndrome; Tumor predisposition. Identifiers: Orphanet 140162, MedGen C0027672, MeSH D009386, MONDO:0015356.
Multiple endocrine neoplasia, type 1 (MEN1). Also called: MEA I; MEN I; WERMER SYNDROME; Endocrine adenomatosis multiple; MEN 1. Identifiers: Orphanet 652, MedGen C0025267, MeSH D018761, MONDO:0007540, OMIM 131100.

Submissions (3):

Labcorp Genetics (formerly Invitae), Labcorp
Classification: Likely benign for Multiple endocrine neoplasia, type 1. Last evaluated: 2025-06-27. Review status: criteria provided, single submitter. Criteria: Invitae Variant Classification Sherloc (09022015). Collection method: clinical testing. Allele origin: germline.

Myriad Genetics, Inc.
Classification: Benign for Multiple endocrine neoplasia, type 1. Last evaluated: 2024-11-01. Review status: criteria provided, single submitter. Criteria: Myriad Autosomal Dominant, Autosomal Recessive and X-Linked Classification Criteria (2023). Collection method: clinical testing. Allele origin: unknown.
Comment: This variant is considered benign. This variant is a silent/synonymous amino acid change and it is not expected to impact splicing.

Ambry Genetics
Classification: Likely benign for Hereditary cancer-predisposing syndrome. Last evaluated: 2020-11-16. Review status: criteria provided, single submitter. Criteria: Ambry Variant Classification Scheme 2023. Collection method: clinical testing. Allele origin: germline.

NM_001370259.2(MEN1):c.591C>T (p.Thr197=)

Gene: MEN1 (menin 1; minus strand). Cytogenetic location: 11q13.1.
Variant type: single nucleotide variant.
Coding change: c.591C>T on transcript NM_001370259.2 (MANE Select); coding-DNA position 591, C replaced by T.
Protein change: p.Thr197=; no amino-acid change (threonine 197 retained).
Molecular consequence: synonymous variant. On other transcripts: intron variant (2).
Genome position (GRCh38, 1-based): chr11:64,807,954, G>A on the plus strand (C>T on the coding strand, the complement: MEN1 is on the minus strand). VCF-style: chr11-64807954-G-A. GRCh37 (hg19) VCF-style: chr11-64575426-G-A.
Other names: c.606C>T, p.Thr202= (NM_000244.4, NM_130800.3, NM_130801.3 and 3 more transcripts); c.591C>T, p.Thr197= (NM_001370251.2, NM_001370260.2, NM_001370261.2 and 1 more transcripts); c.549+42C>T (NM_001370263.2, NM_001370262.2).
Identifiers: ClinVar variation 1652864 (VCV001652864.11), dbSNP rs527294715, ClinGen allele CA475162891.